The following is an entry in ClinVar:

ClinVar aggregate classification (germline): Likely benign (1 of 4 stars; one submission).

Submission:

CeGaT Center for Human Genetics Tuebingen
Classification: Likely benign. Last evaluated: 2025-02-01. Review status: criteria provided, single submitter. Criteria: CeGaT Center For Human Genetics Tuebingen Variant Classification Criteria Version 2. Collection method: clinical testing. Allele origin: germline. Affected: yes. Observed: 1 variant allele.
Comment: MUC12: BP4, BP7

NM_001164462.2(MUC12):c.11757C>T (p.Thr3919=)

Gene: MUC12 (mucin 12, cell surface associated; plus strand). Cytogenetic location: 7q22.1.
Variant type: single nucleotide variant.
Coding change: c.11757C>T on transcript NM_001164462.2 (MANE Select); coding-DNA position 11757, C replaced by T.
Protein change: p.Thr3919=; no amino-acid change (threonine 3919 retained).
Molecular consequence: synonymous variant.
Genome position (GRCh38, 1-based): chr7:101,002,320, C>T. VCF-style: chr7-101002320-C-T. GRCh37 (hg19) VCF-style: chr7-100645601-C-T.
Identifiers: ClinVar variation 3771110 (VCV003771110.13).